The following is an entry in ClinVar:

ClinVar aggregate classification (germline): Uncertain significance. Review status: criteria provided, multiple submitters, no conflicts (2 of 4 stars). 3 submissions from 3 submitters: Uncertain significance (3). Last evaluated 2024-03-14.

Conditions:
Malignant hyperthermia, susceptibility to, 1 (MHS1). Also called: RYR1-Related Malignant Hyperthermia Susceptibility; Malignant hyperthermia suceptibility 1; Anesthesia related hyperthermia; Malignant hyperpyrexia; Fulminating hyperpyrexia; Pharmacogenic myopathy. Identifiers: Orphanet 423, MedGen C2930980, MONDO:0007783, OMIM 145600.
RYR1-related disorder. Also called: RYR1-related disorders; RYR1-related condition. Identifiers: MedGen CN239331.

Allele frequency attached by ClinVar (database versions not stated): gnomAD exomes below 0.00001.
gnomAD v4.1: 1 of 1,614,156 alleles (0.000062%); highest among the groups gnomAD compares: Non-Finnish European, 0.000085%; no homozygotes.

Submissions (3):

Women's Health and Genetics/Laboratory Corporation of America, LabCorp
Classification: Uncertain significance. Last evaluated: 2024-03-14. Review status: criteria provided, single submitter. Criteria: LabCorp Variant Classification Summary - May 2015. Collection method: clinical testing. Allele origin: germline.
Comment: Variant summary: RYR1 c.2495G>A (p.Gly832Glu) results in a non-conservative amino acid change in the encoded protein sequence. Two of four in-silico tools predict a benign effect of the variant on protein function. The variant was absent in 251270 control chromosomes (gnomAD). The available data on variant occurrences in the general population are insufficient to allow any conclusion about variant significance. To our knowledge, no occurrence of c.2495G>A in individuals affected with Myopathy, RYR1-Associated and no experimental evidence demonstrating its impact on protein function have been reported. ClinVar contains an entry for this variant (Variation ID: 1506311). Based on the evidence outlined above, the variant was classified as uncertain significance.

All of Us Research Program, National Institutes of Health
Classification: Uncertain significance for Malignant hyperthermia, susceptibility to, 1. Last evaluated: 2023-04-03. Review status: criteria provided, single submitter. Criteria: ACMG Guidelines, 2015. Collection method: clinical testing. Allele origin: germline. Inheritance: Autosomal dominant inheritance. Observed: 1 variant allele, 1 heterozygote.
Comment: This missense variant replaces glycine with glutamic acid at codon 832 of the RYR1 protein. Computational prediction is inconclusive regarding the impact of this variant on protein structure and function (internally defined REVEL score threshold 0.5 < inconclusive < 0.7, PMID: 27666373). To our knowledge, functional studies have not been reported for this variant. This variant has not been reported in individuals affected with RYR1-related disorders in the literature. This variant has not been identified in the general population by the Genome Aggregation Database (gnomAD). The available evidence is insufficient to determine the role of this variant in disease conclusively. Therefore, this variant is classified as a Variant of Uncertain Significance.

This study involves interpretation of variants in research participants for the purpose of population health screening. Participant phenotype was not available at the time of variant classification. Additional details can be found in publication PMID: 35346344, PMCID: PMC8962531

Labcorp Genetics (formerly Invitae), Labcorp
Classification: Uncertain significance for RYR1-related disorder. Last evaluated: 2021-02-13. Review status: criteria provided, single submitter. Criteria: Invitae Variant Classification Sherloc (09022015). Collection method: clinical testing. Allele origin: germline.
Comment: In summary, the available evidence is currently insufficient to determine the role of this variant in disease. Therefore, it has been classified as a Variant of Uncertain Significance. Advanced modeling of protein sequence and biophysical properties (such as structural, functional, and spatial information, amino acid conservation, physicochemical variation, residue mobility, and thermodynamic stability) performed at Invitae indicates that this missense variant is not expected to disrupt RYR1 protein function. This variant has not been reported in the literature in individuals with RYR1-related conditions. This variant is not present in population databases (ExAC no frequency). This sequence change replaces glycine with glutamic acid at codon 832 of the RYR1 protein (p.Gly832Glu). The glycine residue is moderately conserved and there is a moderate physicochemical difference between glycine and glutamic acid.

NM_000540.3(RYR1):c.2495G>A (p.Gly832Glu)

Gene: RYR1 (ryanodine receptor 1; plus strand). Cytogenetic location: 19q13.2.
Variant type: single nucleotide variant.
Coding change: c.2495G>A on transcript NM_000540.3 (MANE Select); coding-DNA position 2495, G replaced by A.
Protein change: p.Gly832Glu; replaces glycine 832 with glutamic acid.
Molecular consequence: missense variant.
Genome position (GRCh38, 1-based): chr19:38,460,509, G>A. VCF-style: chr19-38460509-G-A. GRCh37 (hg19) VCF-style: chr19-38951149-G-A.
Other names: c.2495G>A, p.Gly832Glu (NM_001042723.2); short protein forms G832E.
Identifiers: ClinVar variation 1506311 (VCV001506311.11), dbSNP rs2145418857, ClinGen allele CA405629685.